The following is an entry in ClinVar:

ClinVar aggregate classification (germline): Likely pathogenic (1 of 4 stars; one submission).

Conditions:
Neurofibromatosis, type 1 (NF1). Also called: Neurofibromatosis, type I; NEUROFIBROMATOSIS, TYPE I, SOMATIC; VON RECKLINGHAUSEN DISEASE; Peripheral type neurofibromatosis. Identifiers: Orphanet 636, MedGen C0027831, MONDO:0018975, OMIM 162200. Disease mechanism: loss of function.

Submission:

Human Genetics Bochum, Ruhr University Bochum
Classification: Likely pathogenic for Neurofibromatosis, type 1. Last evaluated: 2023-09-25. Review status: criteria provided, single submitter. Criteria: ACMG Guidelines, 2015. Collection method: clinical testing. Allele origin: germline. Affected: yes.
Comment: ACMG criteria used to clasify this variant: PVS1, PM2_SUP

NM_001042492.3(NF1):c.2326-6_2338del

Gene: NF1 (neurofibromin 1; plus strand). Cytogenetic location: 17q11.2.
Variant type: Deletion.
Coding change: c.2326-6_2338del on transcript NM_001042492.3 (MANE Select); 6 bases into the intron before coding-DNA position 2326 through coding-DNA position 2338, 19 bases deleted (TTTTAGGCTTGGGAAGATA).
Molecular consequence: splice acceptor variant.
Genome position (GRCh38, 1-based): chr17:31,227,517-31,227,535, TTTTAGGCTTGGGAAGATA deleted; deleting any 19 consecutive bases within chr17:31,227,516-31,227,535 gives the same sequence; the c. name uses the placement nearest the transcript's 3' end. VCF-style (leftmost placement, unchanged base first): chr17-31227515-CATTTTAGGCTTGGGAAGAT-C. GRCh37 (hg19) VCF-style: chr17-29554533-CATTTTAGGCTTGGGAAGAT-C.
Other names: c.2326-6_2338del (NM_000267.4).
Identifiers: ClinVar variation 2583132 (VCV002583132.1), dbSNP rs2508170309, ClinGen allele CA2582342154.
Genomic context (GRCh38, chr17:31,227,515, plus strand): 5'-TGGCTGTAGCTGATTGATGTTTAGCTCTAGACTAAGTTGCTTTCAAGTGATAATTGCCTT[CATTTTAGGCTTGGGAAGAT>C]ACACATGCAAAATGGGAACAAGCAACAAAGCTAATCCTTAACTATCCAAAAGCCAAAATG-3'